The following is an entry in ClinVar:

NM_001164508.2(NEB):c.2319C>G (p.Tyr773Ter)

Gene: NEB (nebulin; minus strand). Cytogenetic location: 2q23.3.
Variant type: single nucleotide variant.
Coding change: c.2319C>G on transcript NM_001164508.2 (MANE Select); coding-DNA position 2319, C replaced by G.
Protein change: p.Tyr773Ter; replaces tyrosine 773 with a stop codon.
Molecular consequence: nonsense.
Genome position (GRCh38, 1-based): chr2:151,688,388, G>C on the plus strand (C>G on the coding strand, the complement: NEB is on the minus strand). VCF-style: chr2-151688388-G-C. GRCh37 (hg19) VCF-style: chr2-152544902-G-C.
Other names: c.2319C>G, p.Tyr773Ter (NM_001164507.2, NM_001271208.2, NM_004543.5); short protein forms Y773*.
Identifiers: ClinVar variation 4537835 (VCV004537835.2).

ClinVar aggregate classification (germline): Likely pathogenic (1 of 4 stars; one submission).

Submission:

GeneDx
Classification: Likely pathogenic. Last evaluated: 2026-01-28. Review status: criteria provided, single submitter. Criteria: GeneDx Variant Classification Process June 2021. Collection method: clinical testing. Allele origin: germline.
Comment: Reported using alternate nomenclature (g.44769C>G) with a pathogenic or likely pathogenic variant on the opposite allele (in trans) in a patient with NEB-related nemaline myopathy in published literature (PMID: 16917880); Not observed at significant frequency in large population cohorts (gnomAD); Nonsense variant predicted to result in protein truncation or nonsense mediated decay in a gene for which loss of function is a known mechanism of disease; This variant is associated with the following publications: (PMID: 25525159, 16917880)